The following is an entry in ClinVar:

NM_001276345.2(TNNT2):c.302A>C (p.His101Pro)

Gene: TNNT2 (troponin T2, cardiac type; minus strand). Cytogenetic location: 1q32.1.
Variant type: single nucleotide variant.
Coding change: c.302A>C on transcript NM_001276345.2 (MANE Select); coding-DNA position 302, A replaced by C.
Protein change: p.His101Pro; replaces histidine 101 with proline.
Molecular consequence: missense variant. On other transcripts: intron variant (1).
Genome position (GRCh38, 1-based): chr1:201,365,300, T>G on the plus strand (A>C on the coding strand, the complement: TNNT2 is on the minus strand). VCF-style: chr1-201365300-T-G. GRCh37 (hg19) VCF-style: chr1-201334428-T-G.
Other names: c.302A>C, p.His101Pro (NM_000364.4, NM_001406723.1); c.272A>C, p.His91Pro (NM_001001430.3, NM_001001431.3, NM_001276347.2 and 3 more transcripts); c.257A>C, p.His86Pro (NM_001001432.3, NM_001406728.1); c.269A>C, p.His90Pro (NM_001406725.1); c.291+310A>C (NM_001276346.2); short protein forms H86P, H90P, H91P, H101P.
Identifiers: ClinVar variation 4789268 (VCV004789268.1).

ClinVar aggregate classification (germline): Uncertain significance (1 of 4 stars; one submission).

Conditions:
Hypertrophic cardiomyopathy 2. Also called: TNNT2-Related Familial Hypertrophic Cardiomyopathy. Identifiers: MedGen C1861864, MONDO:0007266, OMIM 115195.
Dilated cardiomyopathy 1D. Identifiers: Orphanet 154, Orphanet 54260, MedGen C1832243, MONDO:0011095, OMIM 601494.
Cardiomyopathy, familial restrictive, 3. Identifiers: Orphanet 75249, MedGen C2676271, MONDO:0012900, OMIM 612422.

Submission:

Labcorp Genetics (formerly Invitae), Labcorp
Classification: Uncertain significance for Cardiomyopathy, familial restrictive, 3; Hypertrophic cardiomyopathy 2; Dilated cardiomyopathy 1D. Last evaluated: 2025-08-01. Review status: criteria provided, single submitter. Criteria: Invitae Variant Classification Sherloc (09022015). Collection method: clinical testing. Allele origin: germline.
Comment: This sequence change replaces histidine, which is basic and polar, with proline, which is neutral and non-polar, at codon 91 of the TNNT2 protein (p.His91Pro). This variant is not present in population databases (gnomAD no frequency). This variant has not been reported in the literature in individuals affected with TNNT2-related conditions. Invitae Evidence Modeling of protein sequence and biophysical properties (such as structural, functional, and spatial information, amino acid conservation, physicochemical variation, residue mobility, and thermodynamic stability) indicates that this missense variant is not expected to disrupt TNNT2 protein function with a negative predictive value of 80%. In summary, the available evidence is currently insufficient to determine the role of this variant in disease. Therefore, it has been classified as a Variant of Uncertain Significance.